The following is an entry in ClinVar:

NM_001126108.2(SLC12A3):c.1132G>A (p.Ala378Thr)

Gene: SLC12A3 (solute carrier family 12 member 3; plus strand). Cytogenetic location: 16q13.
Variant type: single nucleotide variant.
Coding change: c.1132G>A on transcript NM_001126108.2 (MANE Select); coding-DNA position 1132, G replaced by A.
Protein change: p.Ala378Thr; replaces alanine 378 with threonine.
Molecular consequence: missense variant.
Genome position (GRCh38, 1-based): chr16:56,878,113, G>A. VCF-style: chr16-56878113-G-A. GRCh37 (hg19) VCF-style: chr16-56912025-G-A.
Other names: c.1132G>A, p.Ala378Thr (NM_000339.3); c.1129G>A, p.Ala377Thr (NM_001126107.2, NM_001410896.1); short protein forms A377T, A378T.
Identifiers: ClinVar variation 3251348 (VCV003251348.1), dbSNP rs777045692.

ClinVar aggregate classification (germline): Uncertain significance (1 of 4 stars; one submission).

Allele frequency attached by ClinVar (database versions not stated): gnomAD exomes below 0.00001; ExAC 0.00001.
gnomAD v4.1: 2 of 1,563,592 alleles (0.00013%); highest among the groups gnomAD compares: Admixed American, 0.0035%; no homozygotes.

Submission:

Women's Health and Genetics/Laboratory Corporation of America, LabCorp
Classification: Uncertain significance. Last evaluated: 2024-04-29. Review status: criteria provided, single submitter. Criteria: LabCorp Variant Classification Summary - May 2015. Collection method: clinical testing. Allele origin: germline.
Comment: Variant summary: SLC12A3 c.1132G>A (p.Ala378Thr) results in a non-conservative amino acid change located in the Amino acid permease/ SLC12A domain (IPR004841) of the encoded protein sequence. Five of five in-silico tools predict a damaging effect of the variant on protein function. The variant allele was found at a frequency of 8.1e-06 in 248388 control chromosomes. The available data on variant occurrences in the general population are insufficient to allow any conclusion about variant significance. c.1132G>A has been reported in the literature in an individual affected with Familial Hypokalemia-Hypomagnesemia (Fujimura_2019). These data do not allow any conclusion about variant significance. To our knowledge, no experimental evidence demonstrating an impact on protein function has been reported. The following publication have been ascertained in the context of this evaluation (PMID: 30596175). No submitters have cited clinical-significance assessments for this variant to ClinVar. Based on the evidence outlined above, the variant was classified as uncertain significance.

Literature cited by the submitters: PubMed 30596175.